The following is an entry in ClinVar:

ClinVar aggregate classification (germline): Likely benign. Review status: criteria provided, multiple submitters, no conflicts (2 of 4 stars). 4 submissions from 4 submitters: Likely benign (4). Last evaluated 2026-06-23.

Conditions:
Cystic fibrosis (CF). Also called: MUCOVISCIDOSIS. Identifiers: Orphanet 586, MedGen C0010674, MONDO:0009061, OMIM 219700. Disease mechanism: loss of function.

Submissions (4):

Women's Health and Genetics/Laboratory Corporation of America, LabCorp
Classification: Likely benign. Last evaluated: 2026-06-23. Review status: criteria provided, single submitter. Criteria: LabCorp Variant Classification Summary - May 2015. Collection method: clinical testing. Allele origin: germline.
Comment: Variant summary: CFTR c.3874-19_3874-17delCTT alters a nucleotide located at a position not widely known to affect splicing. Consensus agreement among computation tools predict no significant impact on normal splicing. However, these predictions have yet to be confirmed by functional studies. The variant allele was found at a frequency of 6e-05 in 234556 control chromosomes. This frequency is not significantly higher than estimated for disease-causing variants in CFTR, allowing no conclusion about variant significance. To our knowledge, no occurrence of c.3874-19_3874-17delCTT in individuals affected with CFTR-related conditions and no experimental evidence demonstrating its impact on protein function have been reported. ClinVar contains an entry for this variant (Variation ID: 53831). Based on the evidence outlined above, the variant was classified as likely benign.

Ambry Genetics
Classification: Likely benign for Cystic fibrosis. Last evaluated: 2026-02-06. Review status: criteria provided, single submitter. Criteria: Ambry Variant Classification Scheme 2023. Collection method: clinical testing. Allele origin: germline.

Labcorp Genetics (formerly Invitae), Labcorp
Classification: Likely benign for Cystic fibrosis. Last evaluated: 2022-12-31. Review status: criteria provided, single submitter. Criteria: Invitae Variant Classification Sherloc (09022015). Collection method: clinical testing. Allele origin: germline.

ARUP Laboratories, Molecular Genetics and Genomics, ARUP Laboratories
Classification: Likely benign. Last evaluated: 2020-08-20. Review status: criteria provided, single submitter. Criteria: ARUP Molecular Germline Variant Investigation Process. Collection method: clinical testing. Allele origin: germline.

NM_000492.4(CFTR):c.3874-27TTC[2]

Gene: CFTR (CF transmembrane conductance regulator; plus strand). Cytogenetic location: 7q31.2.
Variant type: Microsatellite.
Coding change: c.3874-27TTC[2] on transcript NM_000492.4 (MANE Select); two copies in a row of the 3-base unit TTC starting at c.3874-27.
Molecular consequence: intron variant.
Genome position: GRCh38 VCF-style: chr7-117652814-TTTC-T. GRCh37 (hg19) VCF-style: chr7-117292868-TTTC-T.
Other names: c.3874-19_3874-17delCTT (NM_000492.3, NM_000492.4).
Identifiers: ClinVar variation 53831 (VCV000053831.19), dbSNP rs397508623, ClinGen allele CA327320.
Genomic context (GRCh38, chr7:117,652,814, plus strand): 5'-ACTTGAAATATTTTACAATACAATAAGGGAAAAATAAAAAGTTATTTAAGTTATTCATAC[TTTC>T]TTCTTCTTTTCTTTTTTGCTATAGAAAGTATTTATTTTTTCTGGAACATTTAGAAAAAAC-3'